The following is an entry in ClinVar:

NM_000085.5(CLCNKB):c.1630C>T (p.Arg544Cys)

Genes: CLCNKB (chloride voltage-gated channel Kb; plus strand), LOC106501713 (CLCNKB recombination region; plus strand). Cytogenetic location: 1p36.13.
Variant type: single nucleotide variant.
Coding change: c.1630C>T on transcript NM_000085.5 (MANE Select); coding-DNA position 1630, C replaced by T.
Protein change: p.Arg544Cys; replaces arginine 544 with cysteine.
Molecular consequence: missense variant.
Genome position (GRCh38, 1-based): chr1:16,053,646, C>T. VCF-style: chr1-16053646-C-T. GRCh37 (hg19) VCF-style: chr1-16380141-C-T.
Other names: c.1630C>T (NM_000085.3); c.1123C>T, p.Arg375Cys (NM_001165945.2); short protein forms R375C, R544C.
Identifiers: ClinVar variation 1520331 (VCV001520331.6), dbSNP rs779196821, ClinGen allele CA623969.

ClinVar aggregate classification (germline): Uncertain significance. Review status: criteria provided, multiple submitters, no conflicts (2 of 4 stars). 3 submissions from 3 submitters: Uncertain significance (3). Last evaluated 2024-10-20.

Conditions:
Bartter disease type 4B. Also called: BARTTER SYNDROME, TYPE 4B, NEONATAL, WITH SENSORINEURAL DEAFNESS; Bartter syndrome, type 4b, digenic; BARTTER SYNDROME, TYPE 4B. Identifiers: Orphanet 112, MedGen C4310805, MONDO:0000909, OMIM 613090.
Bartter disease type 3. Also called: Bartter syndrome type 3. Identifiers: Orphanet 112, Orphanet 93605, MedGen C1846343, MONDO:0011822, OMIM 607364.
Inborn genetic diseases. Identifiers: MedGen C0950123, MeSH D030342.

Allele frequency attached by ClinVar (database versions not stated): gnomAD exomes 0.00002; ExAC 0.00003; gnomAD 0.00003 and 0.00004; TOPMed 0.00005.
gnomAD v4.1: 38 of 1,613,854 alleles (0.0024%); highest among the groups gnomAD compares: African/African-American, 0.0067%; no homozygotes.

Submissions (3):

Ambry Genetics
Classification: Uncertain significance for Inborn genetic diseases. Last evaluated: 2024-10-20. Review status: criteria provided, single submitter. Criteria: Ambry Variant Classification Scheme 2023. Collection method: clinical testing. Allele origin: germline.

Fulgent Genetics
Classification: Uncertain significance for Bartter disease type 3; Bartter disease type 4B. Last evaluated: 2021-12-15. Review status: criteria provided, single submitter. Criteria: ACMG Guidelines, 2015. Collection method: clinical testing. Allele origin: unknown.

Labcorp Genetics (formerly Invitae), Labcorp
Classification: Uncertain significance. Last evaluated: 2021-09-10. Review status: criteria provided, single submitter. Criteria: Invitae Variant Classification Sherloc (09022015). Collection method: clinical testing. Allele origin: germline.
Comment: In summary, the available evidence is currently insufficient to determine the role of this variant in disease. Therefore, it has been classified as a Variant of Uncertain Significance. Advanced modeling of protein sequence and biophysical properties (such as structural, functional, and spatial information, amino acid conservation, physicochemical variation, residue mobility, and thermodynamic stability) performed at Invitae indicates that this missense variant is not expected to disrupt CLCNKB protein function. This variant has not been reported in the literature in individuals affected with CLCNKB-related conditions. This variant is present in population databases (rs779196821, ExAC 0.006%). This sequence change replaces arginine with cysteine at codon 544 of the CLCNKB protein (p.Arg544Cys). The arginine residue is weakly conserved and there is a large physicochemical difference between arginine and cysteine.